The following is an entry in ClinVar:

NM_000718.4(CACNA1B):c.6490-6A>C

Gene: CACNA1B (calcium voltage-gated channel subunit alpha1 B; plus strand). Cytogenetic location: 9q34.3.
Variant type: single nucleotide variant.
Coding change: c.6490-6A>C on transcript NM_000718.4 (MANE Select); 6 bases into the intron before coding-DNA position 6490, A replaced by C.
Molecular consequence: intron variant.
Genome position (GRCh38, 1-based): chr9:138,121,463, A>C. VCF-style: chr9-138121463-A-C. GRCh37 (hg19) VCF-style: chr9-141015915-A-C.
Other names: c.6490-193A>C (NM_001243812.2).
Identifiers: ClinVar variation 4984281 (VCV004984281.1).

ClinVar aggregate classification (germline): Likely benign (1 of 4 stars; one submission).

Conditions:
CACNA1B-related disorder. Also called: CACNA1B-related condition.

gnomAD v4.1: 18 of 1,435,606 alleles (0.0013%); highest among the groups gnomAD compares: East Asian, 0.041%; no homozygotes.

Submission:

PreventionGenetics, part of Exact Sciences
Classification: Likely benign for CACNA1B-related condition. Last evaluated: 2024-12-22. Review status: criteria provided, single submitter. Criteria: ACMG Guidelines, 2015. Collection method: clinical testing. Allele origin: germline.
Comment: This variant is classified as likely benign based on ACMG/AMP sequence variant interpretation guidelines (Richards et al. 2015 PMID: 25741868, with internal and published modifications).